The following is an entry in ClinVar:

NM_006662.3(SRCAP):c.7727C>A (p.Ser2576Ter)

Gene: SRCAP (Snf2 related CREBBP activator protein; plus strand). Cytogenetic location: 16p11.2.
Variant type: single nucleotide variant.
Coding change: c.7727C>A on transcript NM_006662.3 (MANE Select); coding-DNA position 7727, C replaced by A.
Protein change: p.Ser2576Ter; replaces serine 2576 with a stop codon.
Molecular consequence: nonsense.
Genome position (GRCh38, 1-based): chr16:30,737,767, C>A. VCF-style: chr16-30737767-C-A. GRCh37 (hg19) VCF-style: chr16-30749088-C-A.
Other names: short protein forms S2576*.
Identifiers: ClinVar variation 521267 (VCV000521267.4), dbSNP rs1555465966, ClinGen allele CA395634315.
Genomic context (GRCh38, chr16:30,737,767, plus strand): 5'-AGGCATTGGCATCTCCAGAGTCCCTGGAGCTGGCTTCTGTGGCCAGTTCAGAAACCTCCT[C>A]ACTTTCTCTTGTGCCCCCTAAAGATCTGTTGCCAGTTGCTGTGGAGATCCTGCCTGTGTC-3'

ClinVar aggregate classification (germline): Pathogenic. Review status: criteria provided, multiple submitters, no conflicts (2 of 4 stars). 2 submissions from 2 submitters: Pathogenic (2). Last evaluated 2018-07-27.

Conditions:
Inborn genetic diseases. Identifiers: MedGen C0950123, MeSH D030342.

Submissions (2):

GeneDx
Classification: Pathogenic. Last evaluated: 2018-07-27. Review status: criteria provided, single submitter. Criteria: GeneDx Variant Classification (06012015). Collection method: clinical testing. Allele origin: germline. Affected: yes.
Comment: The S2576X variant in the SRCAP gene has not been reported previously as a pathogenic variant nor as a benign variant, to our knowledge. This variant is predicted to cause loss of normal protein function through protein truncation. The S2576X variant is not observed in large population cohorts (Lek et al., 2016). We interpret S2576X as a pathogenic variant.

Ambry Genetics
Classification: Pathogenic for Inborn genetic diseases. Last evaluated: 2016-09-21. Review status: criteria provided, single submitter. Criteria: Ambry exome assertion method (8-5-2015). Collection method: clinical testing. Allele origin: germline. Affected: yes. Observed: 1 variant allele.